The following is an entry in ClinVar:

ClinVar aggregate classification (germline): Uncertain significance. Review status: criteria provided, multiple submitters, no conflicts (2 of 4 stars). 2 submissions from 2 submitters: Uncertain significance (2). Last evaluated 2024-05-15.

Conditions:
Colorectal cancer, hereditary nonpolyposis, type 7. Identifiers: Orphanet 144, MedGen C1858380, MONDO:0013725, OMIM 614385.

Allele frequency attached by ClinVar (database versions not stated): gnomAD exomes below 0.00001.
gnomAD v4.1: 1 of 1,614,190 alleles (0.000062%); highest among the groups gnomAD compares: Admixed American, 0.0017%; no homozygotes.

Submissions (2):

Ambry Genetics
Classification: Uncertain significance. Last evaluated: 2024-05-15. Review status: criteria provided, single submitter. Criteria: Ambry Variant Classification Scheme 2023. Collection method: clinical testing. Allele origin: germline.
Comment: The p.K805E variant (also known as c.2413A>G), located in coding exon 1 of the MLH3 gene, results from an A to G substitution at nucleotide position 2413. The lysine at codon 805 is replaced by glutamic acid, an amino acid with similar properties. This amino acid position is conserved. In addition, this alteration is predicted to be tolerated by in silico analysis. Since supporting evidence is limited at this time, the clinical significance of this alteration remains unclear.

Labcorp Genetics (formerly Invitae), Labcorp
Classification: Uncertain significance for Colorectal cancer, hereditary nonpolyposis, type 7. Last evaluated: 2022-10-17. Review status: criteria provided, single submitter. Criteria: Invitae Variant Classification Sherloc (09022015). Collection method: clinical testing. Allele origin: germline.
Comment: This sequence change replaces lysine, which is basic and polar, with glutamic acid, which is acidic and polar, at codon 805 of the MLH3 protein (p.Lys805Glu). This variant is present in population databases (no rsID available, gnomAD 0.003%). This variant has not been reported in the literature in individuals affected with MLH3-related conditions. Algorithms developed to predict the effect of missense changes on protein structure and function output the following: SIFT: "Tolerated"; PolyPhen-2: "Benign"; Align-GVGD: "Class C0". The glutamic acid amino acid residue is found in multiple mammalian species, which suggests that this missense change does not adversely affect protein function. In summary, the available evidence is currently insufficient to determine the role of this variant in disease. Therefore, it has been classified as a Variant of Uncertain Significance.

NM_001040108.2(MLH3):c.2413A>G (p.Lys805Glu)

Gene: MLH3 (mutL homolog 3; minus strand). Cytogenetic location: 14q24.3.
Variant type: single nucleotide variant.
Coding change: c.2413A>G on transcript NM_001040108.2 (MANE Select); coding-DNA position 2413, A replaced by G.
Protein change: p.Lys805Glu; replaces lysine 805 with glutamic acid.
Molecular consequence: missense variant.
Genome position (GRCh38, 1-based): chr14:75,047,243, T>C on the plus strand (A>G on the coding strand, the complement: MLH3 is on the minus strand). VCF-style: chr14-75047243-T-C. GRCh37 (hg19) VCF-style: chr14-75513946-T-C.
Other names: c.2413A>G, p.Lys805Glu (NM_014381.3); short protein forms K805E.
Identifiers: ClinVar variation 1790912 (VCV001790912.8), dbSNP rs1405723390, ClinGen allele CA390440677.